The following is an entry in ClinVar:

NM_181789.4(GLDN):c.785G>A (p.Arg262Gln)

Gene: GLDN (gliomedin; plus strand). Cytogenetic location: 15q21.2.
Variant type: single nucleotide variant.
Coding change: c.785G>A on transcript NM_181789.4 (MANE Select); coding-DNA position 785, G replaced by A.
Protein change: p.Arg262Gln; replaces arginine 262 with glutamine.
Molecular consequence: missense variant.
Genome position (GRCh38, 1-based): chr15:51,397,566, G>A. VCF-style: chr15-51397566-G-A. GRCh37 (hg19) VCF-style: chr15-51689763-G-A.
Other names: c.413G>A, p.Arg138Gln (NM_001330297.2); short protein forms R138Q, R262Q.
Identifiers: ClinVar variation 3038968 (VCV003038968.3), dbSNP rs143383924, ClinGen allele CA7560531.

ClinVar aggregate classification (germline): Likely benign. Review status: criteria provided, single submitter (1 of 4 stars). 2 submissions from 2 submitters: Likely benign (1). 1 of the submissions does not count toward it. Last evaluated 2024-11-23.

Conditions:
GLDN-related disorder. Also called: GLDN-related condition.

Allele frequency attached by ClinVar (database versions not stated): 1000 Genomes Project 30x 0.00031; 1000 Genomes Project 0.00040; TOPMed 0.00149; ExAC 0.00166; gnomAD 0.00166; gnomAD exomes 0.00207; ESP Exome Variant Server 0.00208.
gnomAD v4.1: 3,227 of 1,601,498 alleles (0.2%); highest among the groups gnomAD compares: Non-Finnish European, 0.24%; 6 homozygotes.

Submissions (2):

Blueprint Genetics
Classification: Likely benign. Last evaluated: 2024-11-23. Review status: criteria provided, single submitter. Criteria: ACMG Guidelines, 2015. Collection method: clinical testing. Allele origin: germline.

PreventionGenetics, part of Exact Sciences
Classification: Likely benign for GLDN-related condition. Last evaluated: 2022-11-01. Review status: no assertion criteria provided. Collection method: clinical testing. Allele origin: germline. Not counted in ClinVar's aggregate classification.
Comment: This variant is classified as likely benign based on ACMG/AMP sequence variant interpretation guidelines (Richards et al. 2015 PMID: 25741868, with internal and published modifications).